The following is an entry in ClinVar:

NM_022089.4(ATP13A2):c.213G>A (p.Trp71Ter)

Gene: ATP13A2 (ATPase cation transporting 13A2; minus strand). Cytogenetic location: 1p36.13.
Variant type: single nucleotide variant.
Coding change: c.213G>A on transcript NM_022089.4 (MANE Select); coding-DNA position 213, G replaced by A.
Protein change: p.Trp71Ter; replaces tryptophan 71 with a stop codon.
Molecular consequence: nonsense.
Genome position (GRCh38, 1-based): chr1:17,005,449, C>T on the plus strand (G>A on the coding strand, the complement: ATP13A2 is on the minus strand). VCF-style: chr1-17005449-C-T. GRCh37 (hg19) VCF-style: chr1-17331944-C-T.
Other names: c.213G>A, p.Trp71Ter (NM_001141973.3, NM_001141974.3); short protein forms W71*.
Identifiers: ClinVar variation 2419737 (VCV002419737.7), dbSNP rs1468568465, ClinGen allele CA338264418.

ClinVar aggregate classification (germline): Pathogenic (1 of 4 stars; one submission).

Conditions:
Kufor-Rakeb syndrome (KRS). Also called: PARKINSON DISEASE 9, AUTOSOMAL RECESSIVE, JUVENILE-ONSET. Identifiers: Orphanet 306674, Orphanet 314632, MedGen C1847640, MONDO:0011706, OMIM 606693.
Autosomal recessive spastic paraplegia type 78. Identifiers: Orphanet 513436, MedGen C5567893, MONDO:0014975, OMIM 617225.

gnomAD v4.1: 1 of 1,614,170 alleles (0.000062%); highest among the groups gnomAD compares: Non-Finnish European, 0.000085%; no homozygotes.

Submission:

Labcorp Genetics (formerly Invitae), Labcorp
Classification: Pathogenic for Kufor-Rakeb syndrome; Autosomal recessive spastic paraplegia type 78. Last evaluated: 2022-04-01. Review status: criteria provided, single submitter. Criteria: Invitae Variant Classification Sherloc (09022015). Collection method: clinical testing. Allele origin: germline.
Comment: This sequence change creates a premature translational stop signal (p.Trp71*) in the ATP13A2 gene. It is expected to result in an absent or disrupted protein product. Loss-of-function variants in ATP13A2 are known to be pathogenic (PMID: 16964263, 21696388). This variant is not present in population databases (gnomAD no frequency). This variant has not been reported in the literature in individuals affected with ATP13A2-related conditions. For these reasons, this variant has been classified as Pathogenic.

Literature cited by the submitters: PubMed 16964263; PubMed 21696388.